The following is an entry in ClinVar:

NM_020631.6(PLEKHG5):c.2427C>T (p.Asp809=)

Gene: PLEKHG5 (pleckstrin homology and RhoGEF domain containing G5; minus strand). Cytogenetic location: 1p36.31.
Variant type: single nucleotide variant.
Coding change: c.2427C>T on transcript NM_020631.6 (MANE Select); coding-DNA position 2427, C replaced by T.
Protein change: p.Asp809=; no amino-acid change (aspartic acid 809 retained).
Molecular consequence: synonymous variant.
Genome position (GRCh38, 1-based): chr1:6,468,409, G>A on the plus strand (C>T on the coding strand, the complement: PLEKHG5 is on the minus strand). VCF-style: chr1-6468409-G-A. GRCh37 (hg19) VCF-style: chr1-6528469-G-A.
Other names: c.2538C>T, p.Asp846= (NM_001042663.3, NM_001265592.2); c.2427C>T, p.Asp809= (NM_001042664.2, NM_001042665.2, NM_001265594.3 and 1 more transcripts); c.2634C>T, p.Asp878= (NM_001265593.2).
Identifiers: ClinVar variation 297943 (VCV000297943.17), dbSNP rs369876443, ClinGen allele CA561161.
Genomic context (GRCh38, chr1:6,468,409, plus strand): 5'-GTCTTGTAAGGAGGTTGGGGAGAGGGTGCCGTAGGCAGAGTCCATGGAGCAGGAGCGGCC[G>A]TCCACCGGACCCAGGGGCAGCAGCTCACTGGTGGGCGTGGCAGATGAGGCAGTGGTGCTG-3'
Protein context (NP_065682.2, residues 799-819): TSELLPLGPV[Asp809=]GRSCSMDSAY

ClinVar aggregate classification (germline): Conflicting classifications of pathogenicity. Review status: criteria provided, conflicting classifications (1 of 4 stars). 4 submissions from 4 submitters: Uncertain significance (1); Likely benign (3). Last evaluated 2026-05-15.

Conditions:
PLEKHG5-related disorder. Also called: PLEKHG5-related condition.
Inborn genetic diseases. Identifiers: MedGen C0950123, MeSH D030342.
Charcot-Marie-Tooth disease recessive intermediate C. Also called: CHARCOT-MARIE-TOOTH NEUROPATHY, RECESSIVE INTERMEDIATE C. Identifiers: Orphanet 369867, MedGen C3809309, MONDO:0014154, OMIM 615376.
Neuronopathy, distal hereditary motor, autosomal recessive 4. Also called: NEUROPATHY, DISTAL HEREDITARY MOTOR, AUTOSOMAL RECESSIVE 4; Autosomal recessive lower motor neuron disease with childhood onset. Identifiers: Orphanet 206580, MedGen C1970211, MONDO:0012608, OMIM 611067.

Allele frequency attached by ClinVar (database versions not stated): ESP Exome Variant Server 0.00008; gnomAD 0.00008 and 0.00009; gnomAD exomes 0.00009 and 0.00016; ExAC 0.00014; TOPMed 0.00016.
gnomAD v4.1: 158 of 1,611,756 alleles (0.0098%); highest among the groups gnomAD compares: Middle Eastern, 0.016%; 1 homozygote.

Submissions (4):

PreventionGenetics, part of Exact Sciences
Classification: Likely benign for PLEKHG5-related condition. Last evaluated: 2026-05-15. Review status: criteria provided, single submitter. Criteria: ACMG Guidelines, 2015. Collection method: clinical testing. Allele origin: germline.
Comment: This variant is classified as likely benign based on ACMG/AMP sequence variant interpretation guidelines (Richards et al. 2015 PMID: 25741868, with internal and published modifications).

Labcorp Genetics (formerly Invitae), Labcorp
Classification: Likely benign for Neuronopathy, distal hereditary motor, autosomal recessive 4; Charcot-Marie-Tooth disease recessive intermediate C. Last evaluated: 2026-01-26. Review status: criteria provided, single submitter. Criteria: Invitae Variant Classification Sherloc (09022015). Collection method: clinical testing. Allele origin: germline.

Ambry Genetics
Classification: Likely benign for Inborn genetic diseases. Last evaluated: 2019-07-11. Review status: criteria provided, single submitter. Criteria: Ambry Variant Classification Scheme 2023. Collection method: clinical testing. Allele origin: germline.

Illumina Laboratory Services, Illumina
Classification: Uncertain significance for Neuronopathy, distal hereditary motor, autosomal recessive 4. Last evaluated: 2018-01-13. Review status: criteria provided, single submitter. Criteria: ICSL Variant Classification Criteria 13 December 2019. Collection method: clinical testing. Allele origin: germline.